The following is an entry in ClinVar:

ClinVar aggregate classification (germline): Uncertain significance. Review status: criteria provided, single submitter (1 of 4 stars). 2 submissions from 2 submitters: Uncertain significance (1). 1 of the submissions does not count toward it. Last evaluated 2018-01-13.

Conditions:
TGFBI-related disorder. Also called: TGFBI-related condition.
Corneal dystrophy. Identifiers: Orphanet 34533, MedGen C0010036, MONDO:0018102, HP:0001131.

Allele frequency attached by ClinVar (database versions not stated): gnomAD 0.00001 and 0.00003; TOPMed 0.00003; gnomAD exomes 0.00004 and 0.00009; ExAC 0.00012; 1000 Genomes Project 30x 0.00031; 1000 Genomes Project 0.00040.
gnomAD v4.1: 63 of 1,614,034 alleles (0.0039%); highest among the groups gnomAD compares: South Asian, 0.036%; no homozygotes.

Submissions (2):

Illumina Laboratory Services, Illumina
Classification: Uncertain significance for Corneal dystrophy. Last evaluated: 2018-01-13. Review status: criteria provided, single submitter. Criteria: ICSL Variant Classification Criteria 13 December 2019. Collection method: clinical testing. Allele origin: germline.

PreventionGenetics, part of Exact Sciences
Classification: Likely benign for TGFBI-related condition. Last evaluated: 2019-06-25. Review status: no assertion criteria provided. Collection method: clinical testing. Allele origin: germline. Not counted in ClinVar's aggregate classification.
Comment: This variant is classified as likely benign based on ACMG/AMP sequence variant interpretation guidelines (Richards et al. 2015 PMID: 25741868, with internal and published modifications).

NM_000358.3(TGFBI):c.969G>A (p.Ala323=)

Gene: TGFBI (transforming growth factor beta induced; plus strand). Cytogenetic location: 5q31.1.
Variant type: single nucleotide variant.
Coding change: c.969G>A on transcript NM_000358.3 (MANE Select); coding-DNA position 969, G replaced by A.
Protein change: p.Ala323=; no amino-acid change (alanine 323 retained).
Molecular consequence: synonymous variant.
Genome position (GRCh38, 1-based): chr5:136,052,962, G>A. VCF-style: chr5-136052962-G-A. GRCh37 (hg19) VCF-style: chr5-135388651-G-A.
Identifiers: ClinVar variation 350879 (VCV000350879.7), dbSNP rs533421485, ClinGen allele CA3420220.
Genomic context (GRCh38, chr5:136,052,962, plus strand): 5'-CCCAGACCTGCTGAACAACCACATCTTGAAGTCAGCTATGTGTGCTGAAGCCATCGTTGC[G>A]GGGCTGTCTGTAGAGACCCTGGAGGGCACGACACTGGAGGTGGGCTGCAGCGGGGACATG-3'
Protein context (NP_000349.1, residues 313-333): KSAMCAEAIV[Ala323=]GLSVETLEGT